The following is an entry in ClinVar:

ClinVar aggregate classification (germline): Uncertain significance (1 of 4 stars; one submission).

Conditions:
Hereditary cancer-predisposing syndrome. Also called: Hereditary neoplastic syndrome; Neoplastic Syndromes, Hereditary; Tumor predisposition; Hereditary Cancer Syndrome. Identifiers: Orphanet 140162, MedGen C0027672, MeSH D009386, MONDO:0015356.

Submission:

Ambry Genetics
Classification: Uncertain significance for Hereditary cancer-predisposing syndrome. Last evaluated: 2025-08-18. Review status: criteria provided, single submitter. Criteria: Ambry Variant Classification Scheme 2023. Collection method: clinical testing. Allele origin: germline.
Comment: The p.F157L variant (also known as c.469T>C), located in coding exon 3 of the RAD51C gene, results from a T to C substitution at nucleotide position 469. The phenylalanine at codon 157 is replaced by leucine, an amino acid with highly similar properties. This amino acid position is well conserved in available vertebrate species. In addition, the in silico prediction for this alteration is inconclusive. Based on the available evidence, the clinical significance of this variant remains unclear.

NM_058216.3(RAD51C):c.469T>C (p.Phe157Leu)

Gene: RAD51C (RAD51 paralog C; plus strand). Cytogenetic location: 17q22.
Variant type: single nucleotide variant.
Coding change: c.469T>C on transcript NM_058216.3 (MANE Select); coding-DNA position 469, T replaced by C.
Protein change: p.Phe157Leu; replaces phenylalanine 157 with leucine.
Molecular consequence: missense variant.
Genome position (GRCh38, 1-based): chr17:58,696,757, T>C. VCF-style: chr17-58696757-T-C. GRCh37 (hg19) VCF-style: chr17-56774118-T-C.
Other names: short protein forms F157L.
Identifiers: ClinVar variation 4149895 (VCV004149895.1).